The following is an entry in ClinVar:

ClinVar aggregate classification (germline): Likely pathogenic (1 of 4 stars; one submission).

Conditions:
Short stature with nonspecific skeletal abnormalities 1 (SNSK1). Identifiers: MedGen CN379227, MONDO:0014551, OMIM 616255.

Submission:

Clinical Biomedical Laboratory, Shriners Hospital For Children - Canada
Classification: Likely pathogenic for Short stature with nonspecific skeletal abnormalities 1. Review status: criteria provided, single submitter. Criteria: ACMG Guidelines, 2015. Collection method: clinical testing. Allele origin: germline. Affected: yes.
Comment: This variant is predicted to substitute an aspartate residue by a valine residue in NPR2. This variant is absent in the Genome Aggregation Database (gnomAD v2.1.1), indicating it is very rare. Computational tools (REVEL: 0.93) suggest that the amino acid change is deleterious to protein function. A variant affecting the same amino acid (p.Asp982Asn) is reported as pathogenic in ClinVar (Variation ID 375294). Based on the ACMG variant interpretation guidelines (criteria: PM2, PM5, PP2, PP3), the available evidence supports classification of this variant as likely pathogenic.

NM_003995.4(NPR2):c.2945A>T (p.Asp982Val)

Genes: NPR2 (natriuretic peptide receptor 2; plus strand), SPAG8 (sperm associated antigen 8; minus strand). Cytogenetic location: 9p13.3.
Variant type: single nucleotide variant.
Coding change: c.2945A>T on transcript NM_003995.4 (MANE Select); coding-DNA position 2945, A replaced by T.
Protein change: p.Asp982Val; replaces aspartic acid 982 with valine.
Molecular consequence: missense variant. On other transcripts: intron variant (2).
Genome position (GRCh38, 1-based): chr9:35,808,812, A>T. VCF-style: chr9-35808812-A-T. GRCh37 (hg19) VCF-style: chr9-35808809-A-T.
Other names: c.2954A>T, p.Asp985Val (NM_001378923.1); c.1201-506T>A (NM_001366760.2); c.1373-506T>A (NM_172312.2); short protein forms D982V, D985V.
Identifiers: ClinVar variation 4819364 (VCV004819364.1).